The following is an entry in ClinVar:

ClinVar aggregate classification (germline): Uncertain significance (1 of 4 stars; one submission).

Submission:

Labcorp Genetics (formerly Invitae), Labcorp
Classification: Uncertain significance. Last evaluated: 2021-06-24. Review status: criteria provided, single submitter. Criteria: Invitae Variant Classification Sherloc (09022015). Collection method: clinical testing. Allele origin: germline.
Comment: In summary, the available evidence is currently insufficient to determine the role of this variant in disease. Therefore, it has been classified as a Variant of Uncertain Significance. Algorithms developed to predict the effect of sequence changes on RNA splicing suggest that this variant may disrupt the consensus splice site, but this prediction has not been confirmed by published transcriptional studies. This variant has not been reported in the literature in individuals with UNC80-related conditions. This variant is not present in population databases (ExAC no frequency). This sequence change affects codon 99 of the UNC80 mRNA. It is a 'silent' change, meaning that it does not change the encoded amino acid sequence of the UNC80 protein.

NM_001371986.1(UNC80):c.297A>G (p.Leu99=)

Gene: UNC80 (unc-80 subunit of NALCN channel complex; plus strand). Cytogenetic location: 2q34.
Variant type: single nucleotide variant.
Coding change: c.297A>G on transcript NM_001371986.1 (MANE Select); coding-DNA position 297, A replaced by G.
Protein change: p.Leu99=; no amino-acid change (leucine 99 retained).
Molecular consequence: synonymous variant.
Genome position (GRCh38, 1-based): chr2:209,776,044, A>G. VCF-style: chr2-209776044-A-G. GRCh37 (hg19) VCF-style: chr2-210640768-A-G.
Other names: c.297A>G, p.Leu99= (NM_032504.2, NM_182587.4).
Identifiers: ClinVar variation 1363706 (VCV001363706.8), dbSNP rs2153824579, ClinGen allele CA430986432.